The following is an entry in ClinVar:

ClinVar aggregate classification (germline): Benign/Likely benign. Review status: criteria provided, multiple submitters, no conflicts (2 of 4 stars). 6 submissions from 6 submitters: Benign (1); Likely benign (5). Last evaluated 2025-03-04.

Conditions:
Hereditary cancer-predisposing syndrome. Also called: Tumor predisposition; Neoplastic Syndromes, Hereditary; Hereditary Cancer Syndrome; Hereditary neoplastic syndrome. Identifiers: Orphanet 140162, MedGen C0027672, MeSH D009386, MONDO:0015356.
Familial cancer of breast. Also called: hereditary breast carcinoma; BREAST CANCER, FAMILIAL; Hereditary breast cancer. Identifiers: Orphanet 227535, MedGen C0346153, MONDO:0016419, OMIM 114480. Disease mechanism: loss of function.

gnomAD v4.1: 1 of 1,614,224 alleles (0.000062%); highest among the groups gnomAD compares: Non-Finnish European, 0.000085%; no homozygotes.

Submissions (6):

Center for Genomic Medicine, Rigshospitalet, Copenhagen University Hospital
Classification: Likely benign. Last evaluated: 2025-03-04. Review status: criteria provided, single submitter. Criteria: ACMG Guidelines, 2015. Collection method: clinical testing. Allele origin: germline.

Labcorp Genetics (formerly Invitae), Labcorp
Classification: Likely benign for Familial cancer of breast. Last evaluated: 2025-02-10. Review status: criteria provided, single submitter. Criteria: Invitae Variant Classification Sherloc (09022015). Collection method: clinical testing. Allele origin: germline.

Myriad Genetics, Inc.
Classification: Benign for Familial cancer of breast. Last evaluated: 2024-07-30. Review status: criteria provided, single submitter. Criteria: Myriad Autosomal Dominant, Autosomal Recessive and X-Linked Classification Criteria (2023). Collection method: clinical testing. Allele origin: unknown.
Comment: This variant is considered benign. This variant is a silent/synonymous amino acid change and it is not expected to impact splicing.

CeGaT Center for Human Genetics Tuebingen
Classification: Likely benign. Last evaluated: 2023-08-01. Review status: criteria provided, single submitter. Criteria: CeGaT Center For Human Genetics Tuebingen Variant Classification Criteria Version 2. Collection method: clinical testing. Allele origin: germline. Affected: yes. Observed: 1 variant allele.
Comment: BARD1: PM2:Supporting, BP4, BP7

GeneDx
Classification: Likely benign. Last evaluated: 2019-06-25. Review status: criteria provided, single submitter. Criteria: GeneDx Variant Classification Process June 2021. Collection method: clinical testing. Allele origin: germline. Affected: yes.

Ambry Genetics
Classification: Likely benign for Hereditary cancer-predisposing syndrome. Last evaluated: 2014-09-22. Review status: criteria provided, single submitter. Criteria: Ambry Variant Classification Scheme 2023. Collection method: clinical testing. Allele origin: germline.

NM_000465.4(BARD1):c.2163A>G (p.Ala721=)

Gene: BARD1 (BRCA1 associated RING domain 1; minus strand). Cytogenetic location: 2q35.
Variant type: single nucleotide variant.
Coding change: c.2163A>G on transcript NM_000465.4 (MANE Select); coding-DNA position 2163, A replaced by G.
Protein change: p.Ala721=; no amino-acid change (alanine 721 retained).
Molecular consequence: synonymous variant. On other transcripts: non-coding transcript variant (3).
Genome position (GRCh38, 1-based): chr2:214,728,847, T>C on the plus strand (A>G on the coding strand, the complement: BARD1 is on the minus strand). VCF-style: chr2-214728847-T-C. GRCh37 (hg19) VCF-style: chr2-215593571-T-C.
Other names: c.2106A>G, p.Ala702= (NM_001282543.2); c.810A>G, p.Ala270= (NM_001282545.2); c.753A>G, p.Ala251= (NM_001282548.2); c.624A>G, p.Ala208= (NM_001282549.2).
Identifiers: ClinVar variation 186249 (VCV000186249.43), dbSNP rs786202805, ClinGen allele CA194243.